The following is an entry in ClinVar:

ClinVar aggregate classification (germline): Uncertain significance (1 of 4 stars; one submission).

Conditions:
Osteogenesis imperfecta type I (OI1). Also called: Lobstein disease; OI, TYPE I; OSTEOGENESIS IMPERFECTA TARDA; OSTEOGENESIS IMPERFECTA WITH BLUE SCLERAE; Osteogenesis imperfecta type 1; Lobstein's Disease. Identifiers: Orphanet 216796, Orphanet 666, MedGen C0023931, MONDO:0008146, OMIM 166200. Disease mechanism: loss of function.
Ehlers-Danlos syndrome, classic type, 1 (EDSCL1). Also called: EDS I; EHLERS-DANLOS SYNDROME, GRAVIS TYPE; EHLERS-DANLOS SYNDROME, SEVERE CLASSIC TYPE; Ehlers-Danlos syndrome, type 1; Ehlers-Danlos Syndrome, Classic Type, COL5A1-Related. Identifiers: MedGen C0268335, MONDO:0019567, OMIM 130000.

gnomAD v4.1: 1 of 1,613,778 alleles (0.000062%); highest among the groups gnomAD compares: Non-Finnish European, 0.000085%; no homozygotes.

Submission:

Labcorp Genetics (formerly Invitae), Labcorp
Classification: Uncertain significance for Osteogenesis imperfecta type I; Ehlers-Danlos syndrome, classic type, 1. Last evaluated: 2023-04-18. Review status: criteria provided, single submitter. Criteria: Invitae Variant Classification Sherloc (09022015). Collection method: clinical testing. Allele origin: germline.
Comment: Algorithms developed to predict the effect of sequence changes on RNA splicing suggest that this variant may disrupt the consensus splice site. In summary, the available evidence is currently insufficient to determine the role of this variant in disease. Therefore, it has been classified as a Variant of Uncertain Significance. This variant has not been reported in the literature in individuals affected with COL1A2-related conditions. This variant is not present in population databases (gnomAD no frequency). This sequence change falls in intron 12 of the COL1A2 gene. It does not directly change the encoded amino acid sequence of the COL1A2 protein.

NM_000089.4(COL1A2):c.595-5T>G

Gene: COL1A2 (collagen type I alpha 2 chain; plus strand). Cytogenetic location: 7q21.3.
Variant type: single nucleotide variant.
Coding change: c.595-5T>G on transcript NM_000089.4 (MANE Select); 5 bases into the intron before coding-DNA position 595, T replaced by G.
Molecular consequence: intron variant.
Genome position (GRCh38, 1-based): chr7:94,407,842, T>G. VCF-style: chr7-94407842-T-G. GRCh37 (hg19) VCF-style: chr7-94037154-T-G.
Identifiers: ClinVar variation 2946877 (VCV002946877.3), dbSNP rs372972440, ClinGen allele CA2683767747.